The following is an entry in ClinVar:

NM_000939.4(POMC):c.692C>T (p.Pro231Leu)

Gene: POMC (proopiomelanocortin; minus strand). Cytogenetic location: 2p23.3.
Variant type: single nucleotide variant.
Coding change: c.692C>T on transcript NM_000939.4 (MANE Select); coding-DNA position 692, C replaced by T.
Protein change: p.Pro231Leu; replaces proline 231 with leucine.
Molecular consequence: missense variant.
Genome position (GRCh38, 1-based): chr2:25,161,193, G>A on the plus strand (C>T on the coding strand, the complement: POMC is on the minus strand). VCF-style: chr2-25161193-G-A. GRCh37 (hg19) VCF-style: chr2-25384062-G-A.
Other names: c.692C>T, p.Pro231Leu (NM_001035256.3, NM_001319204.2, NM_001319205.2); short protein forms P231L.
Identifiers: ClinVar variation 3351501 (VCV003351501.1).

ClinVar aggregate classification (germline): Uncertain significance (0 of 4 stars; one submission).

Conditions:
POMC-related disorder. Also called: POMC-related disorders; POMC-related condition.

gnomAD v4.1: 37 of 1,613,672 alleles (0.0023%); highest among the groups gnomAD compares: Admixed American, 0.02%; no homozygotes.

Submission:

PreventionGenetics, part of Exact Sciences
Classification: Uncertain significance for POMC-related condition. Last evaluated: 2024-08-16. Review status: no assertion criteria provided. Collection method: clinical testing. Allele origin: germline.
Comment: The POMC c.692C>T variant is predicted to result in the amino acid substitution p.Pro231Leu. This variant was reported in the heterozygous state in an individual with obesity, although pathogenicity was not determined (Buono et al. 2005. PubMed ID: 15951321). This variant was observed in a cohort of obese individuals, and in vitro functional studies showed inconclusive evidence of loss of function (Supplemental Data Set, Shah et al. 2023. PubMed ID: 36864747). This variant is reported in 0.0087% of alleles in individuals of Latino descent in gnomAD. At this time, the clinical significance of this variant is uncertain due to the absence of conclusive functional and genetic evidence.